The following is an entry in ClinVar:

ClinVar aggregate classification (germline): Uncertain significance. Review status: criteria provided, multiple submitters, no conflicts (2 of 4 stars). 4 submissions from 4 submitters: Uncertain significance (4). Last evaluated 2025-07-06.

Conditions:
Hereditary cancer-predisposing syndrome. Also called: Neoplastic Syndromes, Hereditary; Tumor predisposition; Hereditary Cancer Syndrome; Hereditary neoplastic syndrome. Identifiers: Orphanet 140162, MedGen C0027672, MeSH D009386, MONDO:0015356.
Bloom syndrome (BLM). Also called: Bloom-Torre-Machacek syndrome. Identifiers: Orphanet 125, MedGen C0005859, MONDO:0008876, OMIM 210900.

Submissions (4):

Ambry Genetics
Classification: Uncertain significance for Hereditary cancer-predisposing syndrome. Last evaluated: 2025-07-06. Review status: criteria provided, single submitter. Criteria: Ambry Variant Classification Scheme 2023. Collection method: clinical testing. Allele origin: germline.
Comment: The p.V705D variant (also known as c.2114T>A), located in coding exon 8 of the BLM gene, results from a T to A substitution at nucleotide position 2114. The valine at codon 705 is replaced by aspartic acid, an amino acid with highly dissimilar properties. This amino acid position is not well conserved in available vertebrate species. In addition, this alteration is predicted to be tolerated by in silico analysis. Since supporting evidence is limited at this time, the clinical significance of this alteration remains unclear.

Labcorp Genetics (formerly Invitae), Labcorp
Classification: Uncertain significance for Bloom syndrome. Last evaluated: 2024-07-11. Review status: criteria provided, single submitter. Criteria: Invitae Variant Classification Sherloc (09022015). Collection method: clinical testing. Allele origin: germline.
Comment: This sequence change replaces valine, which is neutral and non-polar, with aspartic acid, which is acidic and polar, at codon 705 of the BLM protein (p.Val705Asp). This variant is not present in population databases (gnomAD no frequency). This variant has not been reported in the literature in individuals affected with BLM-related conditions. ClinVar contains an entry for this variant (Variation ID: 820751). Advanced modeling of protein sequence and biophysical properties (such as structural, functional, and spatial information, amino acid conservation, physicochemical variation, residue mobility, and thermodynamic stability) performed at Invitae indicates that this missense variant is expected to disrupt BLM protein function with a positive predictive value of 80%. In summary, the available evidence is currently insufficient to determine the role of this variant in disease. Therefore, it has been classified as a Variant of Uncertain Significance.

Fulgent Genetics
Classification: Uncertain significance for Bloom syndrome. Last evaluated: 2024-02-29. Review status: criteria provided, single submitter. Criteria: ACMG Guidelines, 2015. Collection method: clinical testing. Allele origin: germline.

Blueprint Genetics
Classification: Uncertain significance. Last evaluated: 2020-05-07. Review status: criteria provided, single submitter. Criteria: ACMG Guidelines, 2015. Collection method: clinical testing. Allele origin: germline.

NM_000057.4(BLM):c.2114T>A (p.Val705Asp)

Gene: BLM (BLM RecQ like helicase; plus strand). Cytogenetic location: 15q26.1.
Variant type: single nucleotide variant.
Coding change: c.2114T>A on transcript NM_000057.4 (MANE Select); coding-DNA position 2114, T replaced by A.
Protein change: p.Val705Asp; replaces valine 705 with aspartic acid.
Molecular consequence: missense variant.
Genome position (GRCh38, 1-based): chr15:90,765,335, T>A. VCF-style: chr15-90765335-T-A. GRCh37 (hg19) VCF-style: chr15-91308565-T-A.
Other names: c.2114T>A, p.Val705Asp (NM_001287246.2, NM_001287247.2); c.989T>A, p.Val330Asp (NM_001287248.2); short protein forms V330D, V705D.
Identifiers: ClinVar variation 820751 (VCV000820751.18), dbSNP rs1596234166, ClinGen allele CA393844591.